The following is an entry in ClinVar:

NM_000219.6(KCNE1):c.40A>G (p.Thr14Ala)

Gene: KCNE1 (potassium voltage-gated channel subfamily E regulatory subunit 1; minus strand). Cytogenetic location: 21q22.12.
Variant type: single nucleotide variant.
Coding change: c.40A>G on transcript NM_000219.6 (MANE Select); coding-DNA position 40, A replaced by G.
Protein change: p.Thr14Ala; replaces threonine 14 with alanine.
Molecular consequence: missense variant.
Genome position (GRCh38, 1-based): chr21:34,449,595, T>C on the plus strand (A>G on the coding strand, the complement: KCNE1 is on the minus strand). VCF-style: chr21-34449595-T-C. GRCh37 (hg19) VCF-style: chr21-35821893-T-C.
Other names: c.40A>G, p.Thr14Ala (NM_001127668.4, NM_001127669.4, NM_001127670.4 and 4 more transcripts); short protein forms T14A.
Identifiers: ClinVar variation 3373884 (VCV003373884.2).

Conditions:
Long QT syndrome 5 (LQT5). Identifiers: Orphanet 101016, Orphanet 768, MedGen C1867904, MONDO:0013372, OMIM 613695.

Submission:

Roden Lab, Vanderbilt University Medical Center
No classification provided (evidence only). Condition: Long QT syndrome 5. Review status: no classification provided. Collection method: in vitro. Allele origin: not applicable. Functional consequence: Effect on ion channel function.
ClinVar note: "not provided" was previously submitted as the classification for the variant. However, the classification appeared to be based only on an observation of functional data so it was converted to no classification on 2025-07-30.